The following is an entry in ClinVar:

ClinVar aggregate classification (germline): Uncertain significance (1 of 4 stars; one submission).

gnomAD v4.1: 2 of 1,611,786 alleles (0.00012%); highest among the groups gnomAD compares: Non-Finnish European, 0.00017%; no homozygotes.

Submission:

GeneDx
Classification: Uncertain significance. Last evaluated: 2025-03-11. Review status: criteria provided, single submitter. Criteria: GeneDx Variant Classification Process June 2021. Collection method: clinical testing. Allele origin: germline. Affected: yes.
Comment: Not observed at significant frequency in large population cohorts (gnomAD); In silico analysis supports that this missense variant has a deleterious effect on protein structure/function; Has not been previously published as pathogenic or benign to our knowledge

NM_001080453.3(INTS1):c.3290C>T (p.Ser1097Phe)

Gene: INTS1 (integrator complex subunit 1; minus strand). Cytogenetic location: 7p22.3.
Variant type: single nucleotide variant.
Coding change: c.3290C>T on transcript NM_001080453.3 (MANE Select); coding-DNA position 3290, C replaced by T.
Protein change: p.Ser1097Phe; replaces serine 1097 with phenylalanine.
Molecular consequence: missense variant.
Genome position (GRCh38, 1-based): chr7:1,484,142, G>A on the plus strand (C>T on the coding strand, the complement: INTS1 is on the minus strand). VCF-style: chr7-1484142-G-A. GRCh37 (hg19) VCF-style: chr7-1523778-G-A.
Other names: short protein forms S1097F.
Identifiers: ClinVar variation 4083309 (VCV004083309.1).